The following is an entry in ClinVar:

ClinVar aggregate classification (germline): Uncertain significance (1 of 4 stars; one submission).

Conditions:
Hereditary spastic paraplegia 3A (SPG3A). Also called: Spastic paraplegia 3A, autosomal dominant; SPASTIC PARAPLEGIA 3, AUTOSOMAL DOMINANT; FAMILIAL SPASTIC PARAPLEGIA, AUTOSOMAL DOMINANT, 1; SPG3; STRUMPELL DISEASE; Spastic Paraplegia 3A. Identifiers: Orphanet 100984, MedGen C2931355, MONDO:0008437, OMIM 182600.

Submission:

Labcorp Genetics (formerly Invitae), Labcorp
Classification: Uncertain significance for Hereditary spastic paraplegia 3A. Last evaluated: 2022-12-16. Review status: criteria provided, single submitter. Criteria: Invitae Variant Classification Sherloc (09022015). Collection method: clinical testing. Allele origin: germline.
Comment: In summary, the available evidence is currently insufficient to determine the role of this variant in disease. Therefore, it has been classified as a Variant of Uncertain Significance. Advanced modeling of protein sequence and biophysical properties (such as structural, functional, and spatial information, amino acid conservation, physicochemical variation, residue mobility, and thermodynamic stability) performed at Invitae indicates that this missense variant is not expected to disrupt ATL1 protein function. This variant has not been reported in the literature in individuals affected with ATL1-related conditions. This variant is not present in population databases (gnomAD no frequency). This sequence change replaces leucine, which is neutral and non-polar, with valine, which is neutral and non-polar, at codon 382 of the ATL1 protein (p.Leu382Val).

NM_015915.5(ATL1):c.1144C>G (p.Leu382Val)

Gene: ATL1 (atlastin GTPase 1; plus strand). Cytogenetic location: 14q22.1.
Variant type: single nucleotide variant.
Coding change: c.1144C>G on transcript NM_015915.5 (MANE Select); coding-DNA position 1144, C replaced by G.
Protein change: p.Leu382Val; replaces leucine 382 with valine.
Molecular consequence: missense variant.
Genome position (GRCh38, 1-based): chr14:50,628,055, C>G. VCF-style: chr14-50628055-C-G. GRCh37 (hg19) VCF-style: chr14-51094773-C-G.
Other names: c.1144C>G, p.Leu382Val (NM_001127713.1, NM_181598.4); short protein forms L382V.
Identifiers: ClinVar variation 2821441 (VCV002821441.3), dbSNP rs2504576935, ClinGen allele CA389675387.